The following is an entry in ClinVar:

NM_153704.6(TMEM67):c.2122G>C (p.Ala708Pro)

Gene: TMEM67 (transmembrane protein 67; plus strand). Cytogenetic location: 8q22.1.
Variant type: single nucleotide variant.
Coding change: c.2122G>C on transcript NM_153704.6 (MANE Select); coding-DNA position 2122, G replaced by C.
Protein change: p.Ala708Pro; replaces alanine 708 with proline.
Molecular consequence: missense variant. On other transcripts: non-coding transcript variant (1).
Genome position (GRCh38, 1-based): chr8:93,799,639, G>C. VCF-style: chr8-93799639-G-C. GRCh37 (hg19) VCF-style: chr8-94811867-G-C.
Other names: c.2122G>C (NM_153704.5); c.1879G>C, p.Ala627Pro (NM_001142301.1); short protein forms A627P, A708P.
Identifiers: ClinVar variation 1451268 (VCV001451268.11), dbSNP rs149475825, ClinGen allele CA371695192.
Genomic context (GRCh38, chr8:93,799,639, plus strand): 5'-CATGTCCGTTTAAATTACTACTTTTCCTTTTTACTCCAGGTTGTGGGATTCAAGAACTTA[G>C]CATTAATGGACTCATCTTCTAGTCTTTCTAGAAACCCACCTAGCTACATAGCTCCTTATA-3'
Protein context (NP_714915.3, residues 698-718): FLEVVGFKNL[Ala708Pro]LMDSSSSLSR

ClinVar aggregate classification (germline): Pathogenic/Likely pathogenic. Review status: criteria provided, multiple submitters, no conflicts (2 of 4 stars). 2 submissions from 2 submitters: Pathogenic (1); Likely pathogenic (1). Last evaluated 2024-09-13.

Conditions:
Inborn genetic diseases. Identifiers: MedGen C0950123, MeSH D030342.
Meckel-Gruber syndrome. Also called: DYSENCEPHALIA SPLANCHNOCYSTICA; GRUBER SYNDROME; Dysencephalia splachnocystica. Identifiers: Orphanet 564, MedGen C0265215, MONDO:0018921.
Joubert syndrome. Also called: CEREBELLOPARENCHYMAL DISORDER IV; JOUBERT-BOLTSHAUSER SYNDROME; Familial aplasia of the vermis. Identifiers: Orphanet 475, MedGen C5979921, MONDO:0018772.

Submissions (2):

Ambry Genetics
Classification: Likely pathogenic for Inborn genetic diseases. Last evaluated: 2024-09-13. Review status: criteria provided, single submitter. Criteria: Ambry Variant Classification Scheme 2023. Collection method: clinical testing. Allele origin: germline.
Comment: The c.2122G>C (p.A708P) alteration is located in exon 21 (coding exon 21) of the TMEM67 gene. This alteration results from a G to C substitution at nucleotide position 2122, causing the alanine (A) at amino acid position 708 to be replaced by a proline (P). This variant was not reported in population-based cohorts in the Genome Aggregation Database (gnomAD). Another alteration at the same codon, c.2122G>A (p.A708T), has been described in combination with a second TMEM67 alteration in an individual with a clinical diagnosis of Joubert syndrome (Vilboux, 2017). This amino acid position is highly conserved in available vertebrate species. This alteration is predicted to be deleterious by in silico analysis. Based on the available evidence, this alteration is classified as likely pathogenic.

Labcorp Genetics (formerly Invitae), Labcorp
Classification: Pathogenic for Joubert syndrome; Meckel-Gruber syndrome. Last evaluated: 2022-09-22. Review status: criteria provided, single submitter. Criteria: Invitae Variant Classification Sherloc (09022015). Collection method: clinical testing. Allele origin: germline.
Comment: For these reasons, this variant has been classified as Pathogenic. Advanced modeling of protein sequence and biophysical properties (such as structural, functional, and spatial information, amino acid conservation, physicochemical variation, residue mobility, and thermodynamic stability) performed at Invitae indicates that this missense variant is expected to disrupt TMEM67 protein function. This sequence change replaces alanine, which is neutral and non-polar, with proline, which is neutral and non-polar, at codon 708 of the TMEM67 protein (p.Ala708Pro). This variant is not present in population databases (gnomAD no frequency). This missense change has been observed in individual(s) with clinical features of Joubert syndrome (Invitae). ClinVar contains an entry for this variant (Variation ID: 1451268).

Literature cited by the submitters: PubMed 28125082 (cited by Ambry Genetics).